The following is an entry in ClinVar:

NM_001271049.2(CFAP221):c.1297C>T (p.Arg433Cys)

Gene: CFAP221 (cilia and flagella associated protein 221; plus strand). Cytogenetic location: 2q14.2.
Variant type: single nucleotide variant.
Coding change: c.1297C>T on transcript NM_001271049.2 (MANE Select); coding-DNA position 1297, C replaced by T.
Protein change: p.Arg433Cys; replaces arginine 433 with cysteine.
Molecular consequence: missense variant. On other transcripts: non-coding transcript variant (2).
Genome position (GRCh38, 1-based): chr2:119,611,728, C>T. VCF-style: chr2-119611728-C-T. GRCh37 (hg19) VCF-style: chr2-120369304-C-T.
Other names: short protein forms R433C.
Identifiers: ClinVar variation 2651306 (VCV002651306.24), dbSNP rs552536625, ClinGen allele CA1848365.

ClinVar aggregate classification (germline): Likely benign (1 of 4 stars; one submission).

Allele frequency attached by ClinVar (database versions not stated): gnomAD exomes 0.00001; TOPMed 0.00001; ExAC 0.00002; gnomAD 0.00003; 1000 Genomes Project 0.00020; 1000 Genomes Project 30x 0.00031.

Submission:

CeGaT Center for Human Genetics Tuebingen
Classification: Likely benign. Last evaluated: 2022-07-01. Review status: criteria provided, single submitter. Criteria: CeGaT Center For Human Genetics Tuebingen Variant Classification Criteria Version 2. Collection method: clinical testing. Allele origin: germline. Affected: yes. Observed: 1 variant allele.
Comment: CFAP221: BP4